The following is an entry in ClinVar:

ClinVar aggregate classification (germline): Benign/Likely benign. Review status: criteria provided, multiple submitters, no conflicts (2 of 4 stars). 5 submissions from 5 submitters: Benign (1); Likely benign (3). 1 of the submissions does not count toward it. Last evaluated 2025-11-10.

Conditions:
PSTPIP1-related disorder. Also called: PSTPIP1-related condition.
Pyogenic arthritis-pyoderma gangrenosum-acne syndrome (PAPA). Also called: FAMILIAL RECURRENT ARTHRITIS; PAPA SYNDROME. Identifiers: Orphanet 69126, MedGen C1858361, MONDO:0011462, OMIM 604416.

Allele frequency attached by ClinVar (database versions not stated): gnomAD exomes 0.00002; gnomAD 0.00003 and 0.00004; TOPMed 0.00003; ExAC 0.00004; 1000 Genomes Project 30x 0.00031; 1000 Genomes Project 0.00040.
gnomAD v4.1: 70 of 1,612,424 alleles (0.0043%); highest among the groups gnomAD compares: Middle Eastern, 0.033%; no homozygotes.

Submissions (5):

Labcorp Genetics (formerly Invitae), Labcorp
Classification: Likely benign for Pyogenic arthritis-pyoderma gangrenosum-acne syndrome. Last evaluated: 2025-11-10. Review status: criteria provided, single submitter. Criteria: Invitae Variant Classification Sherloc (09022015). Collection method: clinical testing. Allele origin: germline.

ARUP Laboratories, Molecular Genetics and Genomics, ARUP Laboratories
Classification: Likely benign. Last evaluated: 2025-05-06. Review status: criteria provided, single submitter. Criteria: ARUP Molecular Germline Variant Investigation Process 2024. Collection method: clinical testing. Allele origin: germline.

Blueprint Genetics
Classification: Likely benign. Last evaluated: 2024-10-11. Review status: criteria provided, single submitter. Criteria: ACMG Guidelines, 2015. Collection method: clinical testing. Allele origin: germline.

GeneDx
Classification: Benign. Last evaluated: 2012-04-04. Review status: criteria provided, single submitter. Criteria: GeneDx Variant Classification (06012015). Collection method: clinical testing. Allele origin: germline. Affected: yes.
Comment: This variant is considered likely benign or benign based on one or more of the following criteria: it is a conservative change, it occurs at a poorly conserved position in the protein, it is predicted to be benign by multiple in silico algorithms, and/or has population frequency not consistent with disease.

PreventionGenetics, part of Exact Sciences
Classification: Likely benign for PSTPIP1-related condition. Last evaluated: 2019-06-20. Review status: no assertion criteria provided. Collection method: clinical testing. Allele origin: germline. Not counted in ClinVar's aggregate classification.
Comment: This variant is classified as likely benign based on ACMG/AMP sequence variant interpretation guidelines (Richards et al. 2015 PMID: 25741868, with internal and published modifications).

NM_003978.5(PSTPIP1):c.747C>T (p.Tyr249=)

Gene: PSTPIP1 (proline-serine-threonine phosphatase interacting protein 1; plus strand). Cytogenetic location: 15q24.3.
Variant type: single nucleotide variant.
Coding change: c.747C>T on transcript NM_003978.5 (MANE Select); coding-DNA position 747, C replaced by T.
Protein change: p.Tyr249=; no amino-acid change (tyrosine 249 retained).
Molecular consequence: synonymous variant.
Genome position (GRCh38, 1-based): chr15:77,032,303, C>T. VCF-style: chr15-77032303-C-T. GRCh37 (hg19) VCF-style: chr15-77324644-C-T.
Other names: p.Y249Y:TAC>TAT; c.747C>T (LRG_172t1, NM_003978.4); c.747C>T, p.Tyr249= (NM_001321135.2); c.720C>T, p.Tyr240= (NM_001321136.2); c.942C>T, p.Tyr314= (NM_001321137.1).
Identifiers: ClinVar variation 138825 (VCV000138825.16), dbSNP rs557759616, ClinGen allele CA292935.